The following is an entry in ClinVar:

ClinVar aggregate classification (germline): Likely pathogenic (1 of 4 stars; one submission).

Conditions:
Infantile liver failure syndrome 2 (ILFS2). Identifiers: MedGen C3809651, MONDO:0014659, OMIM 616483.

Submission:

Victorian Clinical Genetics Services, Murdoch Childrens Research Institute
Classification: Likely pathogenic for Infantile liver failure syndrome 2. Last evaluated: 2024-10-12. Review status: criteria provided, single submitter. Criteria: ACMG Guidelines, 2015. Collection method: clinical testing. Allele origin: germline. Affected: yes.
Comment: This variant is classified as Likely pathogenic. Evidence in support of pathogenic classification: Canonical splice site variant without proven consequence on splicing (no functional evidence available); Variant is absent from gnomAD (v2, v3 and v4); Another canonical splice site variant comparable to the one identified in this case has limited previous evidence for pathogenicity. The c.1148-1G>T variant has been reported likely pathogenic in ClinVar; Abnormal splicing is predicted by in silico tool and affected nucleotide is highly conserved. Additional information: This variant is heterozygous; This gene is associated with autosomal recessive disease; An alternative nucleotide change at the same canonical splice site is observed in gnomAD (v4: 1 heterozygote(s), 0 homozygote(s)); This variant has no previous evidence of pathogenicity; No published segregation evidence has been identified for this variant; No published functional evidence has been identified for this variant; Loss of function is a known mechanism of disease in this gene and is associated with infantile liver failure syndrome 2 (MIM#616483), and short stature, optic nerve atrophy, and Pelger-Huet anomaly (MIM#614800).

NM_015909.4(NBAS):c.1148-1G>C

Gene: NBAS (NBAS subunit of NRZ tethering complex; minus strand). Cytogenetic location: 2p24.3.
Variant type: single nucleotide variant.
Coding change: c.1148-1G>C on transcript NM_015909.4 (MANE Select); the canonical splice acceptor site of the intron before coding-DNA position 1148, G replaced by C.
Molecular consequence: splice acceptor variant.
Genome position (GRCh38, 1-based): chr2:15,475,881, C>G on the plus strand (G>C on the coding strand, the complement: NBAS is on the minus strand). VCF-style: chr2-15475881-C-G. GRCh37 (hg19) VCF-style: chr2-15616005-C-G.
Identifiers: ClinVar variation 4531774 (VCV004531774.1).
Genomic context (GRCh38, chr2:15,475,881, plus strand): 5'-AAGTCACTGCACTGTCTGCCCACCAATTGACATCTATCAGTGGGTAAAAGGACTCTTTAT[C>G]TAAGAAGCGAAAAACAAATCAATACAAATGCATCTGCTAATGTGGTTTAAATTCAAAATA-3'